The following is an entry in ClinVar:

NM_003742.4(ABCB11):c.3933C>A (p.Tyr1311Ter)

Gene: ABCB11 (ATP binding cassette subfamily B member 11; minus strand). Cytogenetic location: 2q31.1.
Variant type: single nucleotide variant.
Coding change: c.3933C>A on transcript NM_003742.4 (MANE Select); coding-DNA position 3933, C replaced by A.
Protein change: p.Tyr1311Ter; replaces tyrosine 1311 with a stop codon.
Molecular consequence: nonsense.
Genome position (GRCh38, 1-based): chr2:168,923,655, G>T on the plus strand (C>A on the coding strand, the complement: ABCB11 is on the minus strand). VCF-style: chr2-168923655-G-T. GRCh37 (hg19) VCF-style: chr2-169780165-G-T.
Other names: short protein forms Y1311*.
Identifiers: ClinVar variation 4846224 (VCV004846224.1), dbSNP rs1691169353.

ClinVar aggregate classification (germline): Uncertain significance (1 of 4 stars; one submission).

Conditions:
Familial intrahepatic cholestasis. Identifiers: Orphanet 284385, MedGen CN296401, MONDO:0017290.

Submission:

Genomenon, Inc
Classification: Uncertain significance for Familial intrahepatic cholestasis. Last evaluated: 2026-04-14. Review status: criteria provided, single submitter. Criteria: Genomenon Sequence Variant Interpretation Standards - Updated. Collection method: curation. Allele origin: germline. Affected: yes.
Comment: ABCB11 p.Tyr1311Ter (c.3933C>A) is a nonsense variant that introduces a premature stop codon at amino acid position 1311, creating a truncated protein. This variant has been observed in at least one proband with an ABCB11-related disorder (PMID:32087350;23548013). It is absent or not present at a significant frequency in gnomAD. In conclusion, we classify ABCB11 p.Tyr1311Ter (c.3933C>A) as a variant of uncertain significance.

Literature cited by the submitters: PubMed 32087350; PubMed 23548013.